The following is an entry in ClinVar:

ClinVar aggregate classification (germline): Benign (0 of 4 stars; one submission).

Conditions:
SLC5A9-related disorder. Also called: SLC5A9-related condition.

Allele frequency attached by ClinVar (database versions not stated): ESP Exome Variant Server 0.00792; 1000 Genomes Project 30x 0.05169; 1000 Genomes Project 0.05272.
gnomAD v4.1: 24,666 of 1,614,098 alleles (1.5%); highest among the groups gnomAD compares: East Asian, 18%; 1,052 homozygotes.

Submission:

PreventionGenetics, part of Exact Sciences
Classification: Benign for SLC5A9-related condition. Last evaluated: 2019-02-28. Review status: no assertion criteria provided. Collection method: clinical testing. Allele origin: germline.
Comment: This variant is classified as benign based on ACMG/AMP sequence variant interpretation guidelines (Richards et al. 2015 PMID: 25741868, with internal and published modifications).

NM_001011547.3(SLC5A9):c.1931C>A (p.Ala644Glu)

Gene: SLC5A9 (solute carrier family 5 member 9; plus strand). Cytogenetic location: 1p33.
Variant type: single nucleotide variant.
Coding change: c.1931C>A on transcript NM_001011547.3 (MANE Select); coding-DNA position 1931, C replaced by A.
Protein change: p.Ala644Glu; replaces alanine 644 with glutamic acid.
Molecular consequence: missense variant.
Genome position (GRCh38, 1-based): chr1:48,247,428, C>A. VCF-style: chr1-48247428-C-A. GRCh37 (hg19) VCF-style: chr1-48713100-C-A.
Other names: c.2006C>A, p.Ala669Glu (NM_001135181.2); short protein forms A644E, A669E.
Identifiers: ClinVar variation 3055412 (VCV003055412.2), dbSNP rs12040115, ClinGen allele CA844074.